The following is an entry in ClinVar:

ClinVar aggregate classification (germline): Uncertain significance. Review status: criteria provided, multiple submitters, no conflicts (2 of 4 stars). 3 submissions from 3 submitters: Uncertain significance (3). Last evaluated 2024-03-04.

Conditions:
Epidermolysis bullosa simplex 5C, with pyloric atresia (EBS5C). Also called: PLEC-Related Epidermolysis Bullosa with Pyloric Atresia; Epidermolysis bullosa simplex with pyloric atresia; PLEC1-Related Epidermolysis Bullosa with Pyloric Atresia. Identifiers: Orphanet 158684, MedGen C2677349, MONDO:0012807, OMIM 612138.
Epidermolysis bullosa simplex with nail dystrophy (EBS5D). Identifiers: MedGen C4225309, MONDO:0014661, OMIM 616487.
Epidermolysis bullosa simplex 5B, with muscular dystrophy (EBS5B). Also called: Epidermolysis bullosa simplex with muscular dystrophy; EPIDERMOLYSIS BULLOSA SIMPLEX AND LIMB-GIRDLE MUSCULAR DYSTROPHY. Identifiers: Orphanet 257, MedGen C2931072, MONDO:0009181, OMIM 226670.
Autosomal recessive limb-girdle muscular dystrophy type 2Q (LGMDR17). Also called: MUSCULAR DYSTROPHY, LIMB-GIRDLE, AUTOSOMAL RECESSIVE 17. Identifiers: Orphanet 254361, MedGen C3150989, MONDO:0013390, OMIM 613723.
Epidermolysis bullosa simplex, Ogna type (EBS5A). Also called: Pidermolysis bullosa simplex 5A, Ogna type; EPIDERMOLYSIS BULLOSA SIMPLEX 5A, OGNA TYPE. Identifiers: Orphanet 79401, MedGen C0432317, MONDO:0007555, OMIM 131950.

Allele frequency attached by ClinVar (database versions not stated): gnomAD exomes 0.00003 and 0.00002; TOPMed 0.00003; gnomAD 0.00004 and 0.00003; ExAC 0.00001.
gnomAD v4.1: 52 of 1,612,102 alleles (0.0032%); highest among the groups gnomAD compares: Non-Finnish European, 0.0042%; no homozygotes.

Submissions (3):

Labcorp Genetics (formerly Invitae), Labcorp
Classification: Uncertain significance for Autosomal recessive limb-girdle muscular dystrophy type 2Q; Epidermolysis bullosa simplex, Ogna type; Epidermolysis bullosa simplex with nail dystrophy; Epidermolysis bullosa simplex 5C, with pyloric atresia; Epidermolysis bullosa simplex 5B, with muscular dystrophy. Last evaluated: 2024-03-04. Review status: criteria provided, single submitter. Criteria: Invitae Variant Classification Sherloc (09022015). Collection method: clinical testing. Allele origin: germline.
Comment: This sequence change replaces glutamic acid, which is acidic and polar, with lysine, which is basic and polar, at codon 2492 of the PLEC protein (p.Glu2492Lys). This variant is present in population databases (rs782413821, gnomAD 0.004%). This variant has not been reported in the literature in individuals affected with PLEC-related conditions. ClinVar contains an entry for this variant (Variation ID: 572569). An algorithm developed to predict the effect of missense changes on protein structure and function (PolyPhen-2) suggests that this variant is likely to be disruptive. In summary, the available evidence is currently insufficient to determine the role of this variant in disease. Therefore, it has been classified as a Variant of Uncertain Significance.

Revvity Omics, Revvity
Classification: Uncertain significance. Last evaluated: 2022-09-20. Review status: criteria provided, single submitter. Criteria: ACMG Guidelines, 2015. Collection method: clinical testing. Allele origin: germline.

Athena Diagnostics
Classification: Uncertain significance. Last evaluated: 2018-01-24. Review status: criteria provided, single submitter. Criteria: Athena Diagnostics Criteria. Collection method: clinical testing. Allele origin: germline.

NM_201384.3(PLEC):c.7393G>A (p.Glu2465Lys)

Gene: PLEC (plectin; minus strand). Cytogenetic location: 8q24.3.
Variant type: single nucleotide variant.
Coding change: c.7393G>A on transcript NM_201384.3 (MANE Select); coding-DNA position 7393, G replaced by A.
Protein change: p.Glu2465Lys; replaces glutamic acid 2465 with lysine.
Molecular consequence: missense variant.
Genome position (GRCh38, 1-based): chr8:143,922,536, C>T on the plus strand (G>A on the coding strand, the complement: PLEC is on the minus strand). VCF-style: chr8-143922536-C-T. GRCh37 (hg19) VCF-style: chr8-144996704-C-T.
Other names: c.7474G>A, p.Glu2492Lys (NM_000445.5); c.7351G>A, p.Glu2451Lys (NM_201378.4); c.7327G>A, p.Glu2443Lys (NM_201379.3); c.7804G>A, p.Glu2602Lys (NM_201380.4); c.7297G>A, p.Glu2433Lys (NM_201381.3); c.7393G>A, p.Glu2465Lys (NM_201382.4); c.7405G>A, p.Glu2469Lys (NM_201383.3); short protein forms E2443K, E2433K, E2451K, E2492K, E2602K, E2465K, E2469K.
Identifiers: ClinVar variation 572569 (VCV000572569.9), dbSNP rs782413821, ClinGen allele CA4925666.